The following is an entry in ClinVar:

NM_000132.4(F8):c.6164A>C (p.Gln2055Pro)

Gene: F8 (coagulation factor VIII; minus strand). Cytogenetic location: Xq28.
Variant type: single nucleotide variant.
Coding change: c.6164A>C on transcript NM_000132.4 (MANE Select); coding-DNA position 6164, A replaced by C.
Protein change: p.Gln2055Pro; replaces glutamine 2055 with proline.
Molecular consequence: missense variant.
Genome position (GRCh38, 1-based): chrX:154,901,394, T>G on the plus strand (A>C on the coding strand, the complement: F8 is on the minus strand). VCF-style: chrX-154901394-T-G. GRCh37 (hg19) VCF-style: chrX-154129669-T-G.
Other names: p.Gln2055Pro; short protein forms Q2055P.
Identifiers: ClinVar variation 2683604 (VCV002683604.3), dbSNP rs2523881289, ClinGen allele CA414903784.

ClinVar aggregate classification (germline): Uncertain significance. Review status: criteria provided, single submitter (1 of 4 stars). 2 submissions from 2 submitters: Uncertain significance (1). 1 of the submissions does not count toward it. Last evaluated 2025-08-19.

Conditions:
F8-related disorder. Also called: F8-related condition.

Submissions (2):

Mayo Clinic Laboratories, Mayo Clinic
Classification: Uncertain significance. Last evaluated: 2025-08-19. Review status: criteria provided, single submitter. Criteria: ACMG Guidelines, 2015. Collection method: clinical testing. Allele origin: germline. Observed: 2 variant alleles.
Comment: PP3, PM2_supporting

PreventionGenetics, part of Exact Sciences
Classification: Uncertain significance for F8-related condition. Last evaluated: 2024-05-01. Review status: no assertion criteria provided. Collection method: clinical testing. Allele origin: germline. Not counted in ClinVar's aggregate classification.
Comment: The F8 c.6164A>C variant is predicted to result in the amino acid substitution p.Gln2055Pro. To our knowledge, this variant has not been reported in the literature or in a large population database, indicating this variant is rare. At this time, the clinical significance of this variant is uncertain due to the absence of conclusive functional and genetic evidence.